The following is an entry in ClinVar:

ClinVar aggregate classification (germline): Uncertain significance (1 of 4 stars; one submission).

Submission:

GeneDx
Classification: Uncertain significance. Last evaluated: 2024-01-02. Review status: criteria provided, single submitter. Criteria: GeneDx Variant Classification Process June 2021. Collection method: clinical testing. Allele origin: germline. Affected: yes.
Comment: Not observed at significant frequency in large population cohorts (gnomAD); In silico analysis supports that this missense variant has a deleterious effect on protein structure/function; Has not been previously published as pathogenic or benign to our knowledge

NM_022455.5(NSD1):c.5044C>T (p.Leu1682Phe)

Gene: NSD1 (nuclear receptor binding SET domain protein 1; plus strand). Cytogenetic location: 5q35.3.
Variant type: single nucleotide variant.
Coding change: c.5044C>T on transcript NM_022455.5 (MANE Select); coding-DNA position 5044, C replaced by T.
Protein change: p.Leu1682Phe; replaces leucine 1682 with phenylalanine.
Molecular consequence: missense variant.
Genome position (GRCh38, 1-based): chr5:177,260,066, C>T. VCF-style: chr5-177260066-C-T. GRCh37 (hg19) VCF-style: chr5-176687067-C-T.
Other names: c.4171C>T, p.Leu1391Phe (NM_001365684.2, NM_001409308.1, NM_001409309.1 and 1 more transcripts); c.5044C>T, p.Leu1682Phe (NM_001409301.1, NM_001409302.1, NM_001409303.1); c.4624C>T, p.Leu1542Phe (NM_001409304.1); c.4291C>T, p.Leu1431Phe (NM_001409305.1); c.4282C>T, p.Leu1428Phe (NM_001409306.1, NM_001409307.1); short protein forms L1391F, L1428F, L1431F, L1542F, L1682F.
Identifiers: ClinVar variation 3367365 (VCV003367365.1).